The following is an entry in ClinVar:

ClinVar aggregate classification (germline): Benign/Likely benign. Review status: criteria provided, multiple submitters, no conflicts (2 of 4 stars). 4 submissions from 4 submitters: Benign (3); Likely benign (1). Last evaluated 2026-01-07.

Conditions:
Emery-Dreifuss muscular dystrophy 5, autosomal dominant (EDMD5). Also called: EMERY-DREIFUSS MUSCULAR DYSTROPHY 5. Identifiers: Orphanet 261, MedGen C2751805, MONDO:0013072, OMIM 612999.

Allele frequency attached by ClinVar (database versions not stated): gnomAD 0.00007 and 0.00021; TOPMed 0.00011; gnomAD exomes 0.00032 and 0.00033; ExAC 0.00038; 1000 Genomes Project 30x 0.00125; 1000 Genomes Project 0.00160.
gnomAD v4.1: 504 of 1,613,136 alleles (0.031%); highest among the groups gnomAD compares: East Asian, 1.1%; 2 homozygotes.

Submissions (4):

Labcorp Genetics (formerly Invitae), Labcorp
Classification: Benign for Emery-Dreifuss muscular dystrophy 5, autosomal dominant. Last evaluated: 2026-01-07. Review status: criteria provided, single submitter. Criteria: Invitae Variant Classification Sherloc (09022015). Collection method: clinical testing. Allele origin: germline.

Athena Diagnostics
Classification: Benign. Last evaluated: 2019-10-22. Review status: criteria provided, single submitter. Criteria: Athena Diagnostics Criteria. Collection method: clinical testing. Allele origin: unknown.

Illumina Laboratory Services, Illumina
Classification: Benign for Emery-Dreifuss muscular dystrophy 5, autosomal dominant. Last evaluated: 2018-01-13. Review status: criteria provided, single submitter. Criteria: ICSL Variant Classification Criteria 13 December 2019. Collection method: clinical testing. Allele origin: germline.
Comment: This variant was observed in the ICSL laboratory as part of a predisposition screen in an ostensibly healthy population. It had not been previously curated by ICSL or reported in the Human Gene Mutation Database (HGMD: prior to June 1st, 2018), and was therefore a candidate for classification through an automated scoring system. Utilizing variant allele frequency, disease prevalence and penetrance estimates, and inheritance mode, an automated score was calculated to assess if this variant is too frequent to cause the disease. Based on the score and internal cut-off values, a variant classified as benign is not then subjected to further curation. The score for this variant resulted in a classification of benign for this disease.

Eurofins Ntd Llc (ga)
Classification: Likely benign. Last evaluated: 2015-08-13. Review status: criteria provided, single submitter. Criteria: EGL Classification Definitions 2015. Collection method: clinical testing. Allele origin: germline. Observed: 1 variant allele, 1 heterozygote.

NM_182914.3(SYNE2):c.3326G>A (p.Ser1109Asn)

Gene: SYNE2 (spectrin repeat containing nuclear envelope protein 2; plus strand). Cytogenetic location: 14q23.2.
Variant type: single nucleotide variant.
Coding change: c.3326G>A on transcript NM_182914.3 (MANE Select); coding-DNA position 3326, G replaced by A.
Protein change: p.Ser1109Asn; replaces serine 1109 with asparagine.
Molecular consequence: missense variant.
Genome position (GRCh38, 1-based): chr14:63,998,301, G>A. VCF-style: chr14-63998301-G-A. GRCh37 (hg19) VCF-style: chr14-64465019-G-A.
Other names: c.3326G>A, p.Ser1109Asn (NM_015180.6); short protein forms S1109N.
Identifiers: ClinVar variation 282621 (VCV000282621.19), dbSNP rs150464227, ClinGen allele CA7219930.
Genomic context (GRCh38, chr14:63,998,301, plus strand): 5'-TTAGCCTGGCATCAGTGTTAAGGCCTCTGCAAGAAGAAAGCATTATGGAAAAGGATTACA[G>A]TGCATCTATAAATAGTTTACTAGAGAGGTAAACTCTTTTTAAAAACAACTGGAAAATCCA-3'
Protein context (NP_878918.2, residues 1099-1119): QEESIMEKDY[Ser1109Asn]ASINSLLERY